The following is an entry in ClinVar:

ClinVar aggregate classification (germline): Conflicting classifications of pathogenicity. Review status: criteria provided, conflicting classifications (1 of 4 stars). 8 submissions from 8 submitters: Uncertain significance (1); Likely benign (4). 3 of the submissions do not count toward it. Last evaluated 2026-02-04.

Conditions:
Galactosylceramide beta-galactosidase deficiency. Also called: GALACTOCEREBROSIDASE DEFICIENCY; GALC DEFICIENCY; GLOBOID CELL LEUKOENCEPHALOPATHY; Krabbe Disease; Leukodystrophy, Globoid Cell. Identifiers: Orphanet 487, MedGen C0023521, MONDO:0009499, OMIM 245200.
Intellectual disability. Also called: Intellectual functioning disability; Intellectual developmental disorder; intellectual disabilities. Identifiers: MedGen C3714756, MeSH D008607, MONDO:0001071, HP:0001249.

Submissions (8):

Labcorp Genetics (formerly Invitae), Labcorp
Classification: Likely benign for Galactosylceramide beta-galactosidase deficiency. Last evaluated: 2026-02-04. Review status: criteria provided, single submitter. Criteria: Invitae Variant Classification Sherloc (09022015). Collection method: clinical testing. Allele origin: germline.

Blueprint Genetics
Classification: Likely benign. Last evaluated: 2024-11-21. Review status: criteria provided, single submitter. Criteria: ACMG Guidelines, 2015. Collection method: clinical testing. Allele origin: germline.

CeGaT Center for Human Genetics Tuebingen
Classification: Likely benign. Last evaluated: 2024-07-01. Review status: criteria provided, single submitter. Criteria: CeGaT Center For Human Genetics Tuebingen Variant Classification Criteria Version 2. Collection method: clinical testing. Allele origin: germline. Affected: yes. Observed: 5 variant alleles.
Comment: GALC: BP4, BS2

Cambridge Genomics Laboratory, East Genomic Laboratory Hub, NHS Genomic Medicine Service
Classification: Uncertain significance for Intellectual disability. Last evaluated: 2020-05-07. Review status: criteria provided, single submitter. Criteria: ACGS Best Practice Guidelines for Variant Classification in Rare Disease 2020. Collection method: clinical testing. Allele origin: germline. Affected: yes. Observed: 1 variant allele.

GeneDx
Classification: Likely benign. Last evaluated: 2018-02-19. Review status: criteria provided, single submitter. Criteria: GeneDx Variant Classification (06012015). Collection method: clinical testing. Allele origin: germline. Affected: yes.
Comment: This variant is considered likely benign or benign based on one or more of the following criteria: it is a conservative change, it occurs at a poorly conserved position in the protein, it is predicted to be benign by multiple in silico algorithms, and/or has population frequency not consistent with disease.

Natera, Inc.
Classification: Uncertain significance for Galactosylceramide beta-galactosidase deficiency. Last evaluated: 2020-04-18. Review status: no assertion criteria provided. Collection method: clinical testing. Allele origin: germline. Not counted in ClinVar's aggregate classification.

Clinical Genetics DNA and cytogenetics Diagnostics Lab, Erasmus MC, Erasmus Medical Center
Classification: Likely benign. Review status: no assertion criteria provided. Collection method: clinical testing. Allele origin: germline. Affected: yes. Study: VKGL Data-share Consensus. Not counted in ClinVar's aggregate classification.

Clinical Genetics, Academic Medical Center
Classification: Likely benign. Review status: no assertion criteria provided. Collection method: clinical testing. Allele origin: germline. Affected: yes. Study: VKGL Data-share Consensus. Not counted in ClinVar's aggregate classification.

NM_000153.4(GALC):c.329-10_329-8del

Gene: GALC (galactosylceramidase; minus strand). Cytogenetic location: 14q31.3.
Variant type: Microsatellite.
Coding change: c.329-10_329-8del on transcript NM_000153.4 (MANE Select); 10 bases into the intron before coding-DNA position 329 through 8 bases into the intron before coding-DNA position 329, 3 bases deleted (CTC; older notation c.329-10_329-8delCTC).
Molecular consequence: intron variant.
Genome position (GRCh38, 1-based): chr14:87,986,610-87,986,612, GAG deleted on the plus strand (CTC on the coding strand, the reverse complement: GALC is on the minus strand); deleting any 3 consecutive bases within chr14:87,986,610-87,986,615 gives the same sequence; the c. name uses the placement nearest the transcript's 3' end. VCF-style (leftmost placement, unchanged base first): chr14-87986609-AGAG-A. GRCh37 (hg19) VCF-style: chr14-88452953-AGAG-A.
Other names: c.329-10_329-8delCTC (NM_000153.4, NM_000153.3); c.251-10_251-8del (NM_001201402.2); c.260-10_260-8del (NM_001201401.2).
Identifiers: ClinVar variation 314756 (VCV000314756.61), dbSNP rs770389075, ClinGen allele CA7297414.